The following is an entry in ClinVar:

NM_147127.5(EVC2):c.2410C>T (p.Gln804Ter)

Gene: EVC2 (EvC ciliary complex subunit 2; minus strand). Cytogenetic location: 4p16.2.
Variant type: single nucleotide variant.
Coding change: c.2410C>T on transcript NM_147127.5 (MANE Select); coding-DNA position 2410, C replaced by T.
Protein change: p.Gln804Ter; replaces glutamine 804 with a stop codon.
Molecular consequence: nonsense.
Genome position (GRCh38, 1-based): chr4:5,622,628, G>A on the plus strand (C>T on the coding strand, the complement: EVC2 is on the minus strand). VCF-style: chr4-5622628-G-A. GRCh37 (hg19) VCF-style: chr4-5624355-G-A.
Other names: c.2170C>T, p.Gln724Ter (NM_001166136.2); short protein forms Q804*, Q724*.
Identifiers: ClinVar variation 2074375 (VCV002074375.4), dbSNP rs2475374019, ClinGen allele CA356144493.

ClinVar aggregate classification (germline): Pathogenic (1 of 4 stars; one submission).

Conditions:
Curry-Hall syndrome (WAD). Also called: WEYERS ACRODENTAL DYSOSTOSIS. Identifiers: Orphanet 952, MedGen C0457013, MONDO:0008673, OMIM 193530.
Ellis-van Creveld syndrome (EVC). Also called: Chondroectodermal dysplasia; MESOECTODERMAL DYSPLASIA; EVC-Related Ellis-van Creveld Syndrome; EVC2-Related Ellis-van Creveld Syndrome. Identifiers: Orphanet 289, MedGen C0013903, MONDO:0009162, OMIM 225500.

Allele frequency attached by ClinVar (database versions not stated): gnomAD exomes below 0.00001.
gnomAD v4.1: 1 of 1,613,892 alleles (0.000062%); highest among the groups gnomAD compares: East Asian, 0.0022%; no homozygotes.

Submission:

Labcorp Genetics (formerly Invitae), Labcorp
Classification: Pathogenic for Curry-Hall syndrome; Ellis-van Creveld syndrome. Last evaluated: 2022-01-16. Review status: criteria provided, single submitter. Criteria: Invitae Variant Classification Sherloc (09022015). Collection method: clinical testing. Allele origin: germline.
Comment: This variant is not present in population databases (gnomAD no frequency). For these reasons, this variant has been classified as Pathogenic. This variant has not been reported in the literature in individuals affected with EVC2-related conditions. This sequence change creates a premature translational stop signal (p.Gln804*) in the EVC2 gene. It is expected to result in an absent or disrupted protein product. Loss-of-function variants in EVC2 are known to be pathogenic (PMID: 17024374, 19810119, 19876929).

Literature cited by the submitters: PubMed 17024374; PubMed 19810119; PubMed 19876929.